The following is an entry in ClinVar:

ClinVar aggregate classification (germline): Uncertain significance (1 of 4 stars; one submission).

Conditions:
TTN-related disorder. Also called: TTN-related disorders; TTN-related condition; TTN-related disease.

Submission:

PreventionGenetics, part of Exact Sciences
Classification: Uncertain significance for TTN-related condition. Last evaluated: 2025-09-30. Review status: criteria provided, single submitter. Criteria: ACMG Guidelines, 2015. Collection method: clinical testing. Allele origin: germline.
Comment: The TTN c.100576A>G variant is predicted to result in the amino acid substitution p.Ile33526Val. To our knowledge, this variant has not been reported in the literature or in a large population database (gnomAD), indicating this variant is rare. At this time, the clinical significance of this variant is uncertain due to the absence of conclusive functional and genetic evidence.

NM_001267550.2(TTN):c.100576A>G (p.Ile33526Val)

Genes: TTN (titin; minus strand), TTN-AS1 (TTN antisense RNA 1; plus strand). Cytogenetic location: 2q31.2.
Variant type: single nucleotide variant.
Coding change: c.100576A>G on transcript NM_001267550.2 (MANE Select); coding-DNA position 100576, A replaced by G.
Protein change: p.Ile33526Val; replaces isoleucine 33526 with valine.
Molecular consequence: missense variant.
Genome position (GRCh38, 1-based): chr2:178,536,171, T>C on the plus strand (A>G on the coding strand, the complement: TTN is on the minus strand). VCF-style: chr2-178536171-T-C. GRCh37 (hg19) VCF-style: chr2-179400898-T-C.
Other names: c.95653A>G, p.Ile31885Val (NM_001256850.1); c.73381A>G, p.Ile24461Val (NM_003319.4); c.92872A>G, p.Ile30958Val (NM_133378.4); c.73756A>G, p.Ile24586Val (NM_133432.3); c.73957A>G, p.Ile24653Val (NM_133437.4); short protein forms I24653V, I31885V, I24586V, I30958V, I33526V, I24461V.
Identifiers: ClinVar variation 4992365 (VCV004992365.1).